The following is an entry in ClinVar:

NM_000548.5(TSC2):c.2564A>C (p.His855Pro)

Gene: TSC2 (TSC complex subunit 2; plus strand). Cytogenetic location: 16p13.3.
Variant type: single nucleotide variant.
Coding change: c.2564A>C on transcript NM_000548.5 (MANE Select); coding-DNA position 2564, A replaced by C.
Protein change: p.His855Pro; replaces histidine 855 with proline.
Molecular consequence: missense variant.
Genome position (GRCh38, 1-based): chr16:2,075,817, A>C. VCF-style: chr16-2075817-A-C. GRCh37 (hg19) VCF-style: chr16-2125818-A-C.
Other names: c.2564A>C, p.His855Pro (NM_001077183.3, NM_001114382.3, NM_001363528.2 and 3 more transcripts); c.2453A>C, p.His818Pro (NM_001318827.2); c.2417A>C, p.His806Pro (NM_001318829.2); c.1964A>C, p.His655Pro (NM_001318831.2); c.2597A>C, p.His866Pro (NM_001318832.2); c.2564A>C (NM_000548.3); short protein forms H655P, H806P, H866P, H818P, H855P.
Identifiers: ClinVar variation 1467154 (VCV001467154.9), dbSNP rs1424946987, ClinGen allele CA394278325.

ClinVar aggregate classification (germline): Conflicting classifications of pathogenicity. Review status: criteria provided, conflicting classifications (1 of 4 stars). 2 submissions from 2 submitters: Uncertain significance (1); Benign (1). Last evaluated 2025-04-18.

Conditions:
Tuberous sclerosis 2 (TSC2). Identifiers: Orphanet 805, MedGen C1860707, MONDO:0013199, OMIM 613254.
Hereditary cancer-predisposing syndrome. Also called: Neoplastic Syndromes, Hereditary; Hereditary Cancer Syndrome; Tumor predisposition; Hereditary neoplastic syndrome. Identifiers: Orphanet 140162, MedGen C0027672, MeSH D009386, MONDO:0015356.

gnomAD v4.1: 1 of 1,612,688 alleles (0.000062%); highest among the groups gnomAD compares: East Asian, 0.0022%; no homozygotes.

Submissions (2):

Ambry Genetics
Classification: Uncertain significance for Hereditary cancer-predisposing syndrome. Last evaluated: 2025-04-18. Review status: criteria provided, single submitter. Criteria: Ambry Variant Classification Scheme 2023. Collection method: clinical testing. Allele origin: germline.
Comment: The p.H855P variant (also known as c.2564A>C), located in coding exon 22 of the TSC2 gene, results from an A to C substitution at nucleotide position 2564. The histidine at codon 855 is replaced by proline, an amino acid with similar properties. This amino acid position is conserved. In addition, this alteration is predicted to be deleterious by in silico analysis. Based on the available evidence, the clinical significance of this variant remains unclear.

Labcorp Genetics (formerly Invitae), Labcorp
Classification: Benign for Tuberous sclerosis 2. Last evaluated: 2023-12-11. Review status: criteria provided, single submitter. Criteria: Invitae Variant Classification Sherloc (09022015). Collection method: clinical testing. Allele origin: germline.